The following is an entry in ClinVar:

NM_000062.3(SERPING1):c.284C>T (p.Thr95Ile)

Gene: SERPING1 (serpin family G member 1; plus strand). Cytogenetic location: 11q12.1.
Variant type: single nucleotide variant.
Coding change: c.284C>T on transcript NM_000062.3 (MANE Select); coding-DNA position 284, C replaced by T.
Protein change: p.Thr95Ile; replaces threonine 95 with isoleucine.
Molecular consequence: missense variant.
Genome position (GRCh38, 1-based): chr11:57,600,111, C>T. VCF-style: chr11-57600111-C-T. GRCh37 (hg19) VCF-style: chr11-57367584-C-T.
Other names: c.284C>T (NM_000062.2); c.284C>T, p.Thr95Ile (NM_001032295.2); short protein forms T95I.
Identifiers: ClinVar variation 1124841 (VCV001124841.11), dbSNP rs139702024, ClinGen allele CA6008015.

ClinVar aggregate classification (germline): Likely benign. Review status: criteria provided, multiple submitters, no conflicts (2 of 4 stars). 3 submissions from 3 submitters: Likely benign (2). 1 of the submissions does not count toward it. Last evaluated 2025-04-27.

Conditions:
Inborn genetic diseases. Identifiers: MedGen C0950123, MeSH D030342.
SERPING1-related disorder. Also called: SERPING1-related condition.

Allele frequency attached by ClinVar (database versions not stated): gnomAD exomes 0.00001 and 0.00006; ExAC 0.00008; gnomAD 0.00011; TOPMed 0.00014; ESP Exome Variant Server 0.00023.

Submissions (3):

Labcorp Genetics (formerly Invitae), Labcorp
Classification: Likely benign. Last evaluated: 2025-04-27. Review status: criteria provided, single submitter. Criteria: Invitae Variant Classification Sherloc (09022015). Collection method: clinical testing. Allele origin: germline.

Ambry Genetics
Classification: Likely benign for Inborn genetic diseases. Last evaluated: 2021-08-30. Review status: criteria provided, single submitter. Criteria: Ambry Variant Classification Scheme 2023. Collection method: clinical testing. Allele origin: germline.

PreventionGenetics, part of Exact Sciences
Classification: Uncertain significance for SERPING1-related condition. Last evaluated: 2024-07-12. Review status: no assertion criteria provided. Collection method: clinical testing. Allele origin: germline. Not counted in ClinVar's aggregate classification.
Comment: The SERPING1 c.284C>T variant is predicted to result in the amino acid substitution p.Thr95Ile. To our knowledge, this variant has not been reported in the literature. This variant is reported in 0.064% of alleles in individuals of African descent in gnomAD, which may be too common to be causative. Although we suspect that this variant may be benign, at this time, the clinical significance of this variant is uncertain due to the absence of conclusive functional and genetic evidence.